The following is an entry in ClinVar:

NM_004082.5(DCTN1):c.2677T>A (p.Cys893Ser)

Gene: DCTN1 (dynactin subunit 1; minus strand). Cytogenetic location: 2p13.1.
Variant type: single nucleotide variant.
Coding change: c.2677T>A on transcript NM_004082.5 (MANE Select); coding-DNA position 2677, T replaced by A.
Protein change: p.Cys893Ser; replaces cysteine 893 with serine.
Molecular consequence: missense variant. On other transcripts: non-coding transcript variant (1).
Genome position (GRCh38, 1-based): chr2:74,366,327, A>T on the plus strand (T>A on the coding strand, the complement: DCTN1 is on the minus strand). VCF-style: chr2-74366327-A-T. GRCh37 (hg19) VCF-style: chr2-74593454-A-T.
Other names: c.2617T>A, p.Cys873Ser (NM_001135040.3); c.2275T>A, p.Cys759Ser (NM_001135041.3, NM_023019.4); c.2566T>A, p.Cys856Ser (NM_001190836.2); c.2656T>A, p.Cys886Ser (NM_001190837.2); c.2626T>A, p.Cys876Ser (NM_001378991.1); c.2608T>A, p.Cys870Ser (NM_001378992.1); short protein forms C759S, C873S, C893S, C856S, C886S, C870S, C876S.
Identifiers: ClinVar variation 2944059 (VCV002944059.3), dbSNP rs2529112445, ClinGen allele CA347343478.

ClinVar aggregate classification (germline): Uncertain significance (1 of 4 stars; one submission).

Conditions:
Amyotrophic lateral sclerosis type 1 (ALS1). Also called: AMYOTROPHIC LATERAL SCLEROSIS 1, FAMILIAL. Identifiers: Orphanet 803, MedGen C1862939, MONDO:0007103, OMIM 105400.
Neuronopathy, distal hereditary motor, type 7B. Also called: HMN VIIB; LOWER MOTOR NEURON DISEASE, DYNACTIN TYPE; NEURONOPATHY, DISTAL HEREDITARY MOTOR, AUTOSOMAL DOMINANT 14; NEURONOPATHY, DISTAL HEREDITARY MOTOR, HARDING TYPE VIIB; NEUROPATHY, DISTAL HEREDITARY MOTOR, HARDING TYPE VIIB; NEUROPATHY, DISTAL HEREDITARY MOTOR, WITH VOCAL CORD PARALYSIS, HARDING TYPE VIIB. Identifiers: Orphanet 139589, MedGen C1843315, MONDO:0011879, OMIM 607641.
Perry syndrome. Also called: PARKINSONISM WITH ALVEOLAR HYPOVENTILATION AND MENTAL DEPRESSION. Identifiers: Orphanet 178509, MedGen C1868594, MONDO:0008201, OMIM 168605.

gnomAD v4.1: 3 of 1,614,208 alleles (0.00019%); highest among the groups gnomAD compares: Non-Finnish European, 0.00017%; no homozygotes.

Submission:

Labcorp Genetics (formerly Invitae), Labcorp
Classification: Uncertain significance for Amyotrophic lateral sclerosis type 1; Neuronopathy, distal hereditary motor, type 7B; Perry syndrome. Last evaluated: 2023-07-12. Review status: criteria provided, single submitter. Criteria: Invitae Variant Classification Sherloc (09022015). Collection method: clinical testing. Allele origin: germline.
Comment: This sequence change replaces cysteine, which is neutral and slightly polar, with serine, which is neutral and polar, at codon 893 of the DCTN1 protein (p.Cys893Ser). This variant is not present in population databases (gnomAD no frequency). This variant has not been reported in the literature in individuals affected with DCTN1-related conditions. Advanced modeling of protein sequence and biophysical properties (such as structural, functional, and spatial information, amino acid conservation, physicochemical variation, residue mobility, and thermodynamic stability) performed at Invitae indicates that this missense variant is not expected to disrupt DCTN1 protein function. In summary, the available evidence is currently insufficient to determine the role of this variant in disease. Therefore, it has been classified as a Variant of Uncertain Significance.